The following is an entry in ClinVar:

ClinVar aggregate classification (germline): Likely pathogenic (1 of 4 stars; one submission).

Conditions:
Neuronal ceroid lipofuscinosis. Also called: Neuronal Ceroid Lipofuscinoses. Identifiers: Orphanet 216, Orphanet 79263, MedGen C0027877, MONDO:0016295. Disease mechanism: loss of function.

Submission:

Labcorp Genetics (formerly Invitae), Labcorp
Classification: Likely pathogenic for Neuronal ceroid lipofuscinosis. Last evaluated: 2023-11-22. Review status: criteria provided, single submitter. Criteria: Invitae Variant Classification Sherloc (09022015). Collection method: clinical testing. Allele origin: germline.
Comment: This sequence change affects a donor splice site in intron 5 of the CTSD gene. It is expected to disrupt RNA splicing. Variants that disrupt the donor or acceptor splice site typically lead to a loss of protein function (PMID: 16199547), and loss-of-function variants in CTSD are known to be pathogenic (PMID: 16670177, 26059544). This variant is not present in population databases (gnomAD no frequency). This variant has not been reported in the literature in individuals affected with CTSD-related conditions. Algorithms developed to predict the effect of sequence changes on RNA splicing suggest that this variant may disrupt the consensus splice site. In summary, the currently available evidence indicates that the variant is pathogenic, but additional data are needed to prove that conclusively. Therefore, this variant has been classified as Likely Pathogenic.

Literature cited by the submitters: PubMed 16199547; PubMed 16670177; PubMed 26059544.

NM_001909.5(CTSD):c.704+1G>T

Gene: CTSD (cathepsin D; minus strand). Cytogenetic location: 11p15.5.
Variant type: single nucleotide variant.
Coding change: c.704+1G>T on transcript NM_001909.5 (MANE Select); the canonical splice donor site of the intron after coding-DNA position 704, G replaced by T.
Molecular consequence: splice donor variant.
Genome position (GRCh38, 1-based): chr11:1,757,323, C>A on the plus strand (G>T on the coding strand, the complement: CTSD is on the minus strand). VCF-style: chr11-1757323-C-A. GRCh37 (hg19) VCF-style: chr11-1778553-C-A.
Identifiers: ClinVar variation 2698129 (VCV002698129.3), dbSNP rs760929484, ClinGen allele CA379095809.